The following is an entry in ClinVar:

NM_000138.5(FBN1):c.8330T>A (p.Ile2777Asn)

Gene: FBN1 (fibrillin 1; minus strand). Cytogenetic location: 15q21.1.
Variant type: single nucleotide variant.
Coding change: c.8330T>A on transcript NM_000138.5 (MANE Select); coding-DNA position 8330, T replaced by A.
Protein change: p.Ile2777Asn; replaces isoleucine 2777 with asparagine.
Molecular consequence: missense variant.
Genome position (GRCh38, 1-based): chr15:48,411,276, A>T on the plus strand (T>A on the coding strand, the complement: FBN1 is on the minus strand). VCF-style: chr15-48411276-A-T. GRCh37 (hg19) VCF-style: chr15-48703473-A-T.
Other names: c.8330T>A (NM_000138.4); short protein forms I2777N.
Identifiers: ClinVar variation 1398391 (VCV001398391.8), dbSNP rs1555393556, ClinGen allele CA392319578.
Genomic context (GRCh38, chr15:48,411,276, plus strand): 5'-GATTCGATCAAGTATCTGTTGTGATTCGTCAGAGTTGTAAGAGCTGGAAGGAGTTCTAGG[A>T]TTCGAACCTTGTTACTGACGTGGGAAATATTGAAAGCAAAGATGGCTGTCTTCTCAACAT-3'
Protein context (NP_000129.3, residues 2767-2787): NISHVSNKVR[Ile2777Asn]LELLPALTTL

ClinVar aggregate classification (germline): Conflicting classifications of pathogenicity. Review status: criteria provided, conflicting classifications (1 of 4 stars). 2 submissions from 2 submitters: Pathogenic (1); Uncertain significance (1). Last evaluated 2022-07-08.

Conditions:
Marfan syndrome (MFS). Also called: Marfan syndrome type 1; Marfan's syndrome; FBN1-Related Marfan Syndrome; MARFAN SYNDROME, TYPE I; Marfan syndrome, classic. Identifiers: Orphanet 284963, Orphanet 558, MedGen C0024796, MONDO:0007947, OMIM 154700.
Familial thoracic aortic aneurysm and aortic dissection (TAAD). Also called: Thoracic aortic aneurysms and dissections. Identifiers: Orphanet 91387, MedGen C4707243, MONDO:0019625.

Submissions (2):

MVZ Martinsried, Medicover Genetics
Classification: Uncertain significance for Marfan syndrome. Last evaluated: 2022-07-08. Review status: criteria provided, single submitter. Criteria: ACGS Guidelines, 2020. Collection method: clinical testing. Allele origin: unknown. Affected: yes.

Labcorp Genetics (formerly Invitae), Labcorp
Classification: Pathogenic for Marfan syndrome; Familial thoracic aortic aneurysm and aortic dissection. Last evaluated: 2021-04-29. Review status: criteria provided, single submitter. Criteria: Invitae Variant Classification Sherloc (09022015). Collection method: clinical testing. Allele origin: germline.
Comment: For these reasons, this variant has been classified as Pathogenic. Advanced modeling of protein sequence and biophysical properties (such as structural, functional, and spatial information, amino acid conservation, physicochemical variation, residue mobility, and thermodynamic stability) performed at Invitae indicates that this missense variant is expected to disrupt FBN1 protein function. This variant has been observed in individual(s) with clinical features of FBN1-related conditions (Invitae). In at least one individual the variant was observed to be de novo. This variant is not present in population databases (ExAC no frequency). This sequence change replaces isoleucine with asparagine at codon 2777 of the FBN1 protein (p.Ile2777Asn). The isoleucine residue is highly conserved and there is a large physicochemical difference between isoleucine and asparagine.